The following is an entry in ClinVar:

ClinVar aggregate classification (germline): Uncertain significance (1 of 4 stars; one submission).

Conditions:
Charcot-Marie-Tooth disease dominant intermediate B (CMTDIB). Also called: CHARCOT-MARIE-TOOTH NEUROPATHY, DOMINANT INTERMEDIATE B; Charcot-Marie-Tooth disease dominant intermediate 1; CMT DI1; Charcot-Marie-Tooth disease dominant intermediate I. Identifiers: Orphanet 100044, Orphanet 228179, MedGen C1847902, MONDO:0011674, OMIM 606482.

Allele frequency attached by ClinVar (database versions not stated): gnomAD exomes below 0.00001 and 0.00001; ExAC 0.00001.
gnomAD v4.1: 6 of 1,613,850 alleles (0.00037%); highest among the groups gnomAD compares: Non-Finnish European, 0.00051%; no homozygotes.

Submission:

Labcorp Genetics (formerly Invitae), Labcorp
Classification: Uncertain significance for Charcot-Marie-Tooth disease dominant intermediate B. Last evaluated: 2018-08-10. Review status: criteria provided, single submitter. Criteria: Invitae Variant Classification Sherloc (09022015). Collection method: clinical testing. Allele origin: germline.
Comment: This sequence change affects codon 764 of the DNM2 mRNA. It is a 'silent' change, meaning that it does not change the encoded amino acid sequence of the DNM2 protein. This variant is present in population databases (rs779394836, ExAC 0.002%). This variant has not been reported in the literature in individuals with DNM2-related disease. Algorithms developed to predict the effect of sequence changes on RNA splicing suggest that this variant is not likely to affect RNA splicing, but this prediction has not been confirmed by published transcriptional studies. In summary, the available evidence is currently insufficient to determine the role of this variant in disease. Therefore, it has been classified as a Variant of Uncertain Significance.

NM_001005361.3(DNM2):c.2292C>T (p.Ser764=)

Gene: DNM2 (dynamin 2; plus strand). Cytogenetic location: 19p13.2.
Variant type: single nucleotide variant.
Coding change: c.2292C>T on transcript NM_001005361.3 (MANE Select); coding-DNA position 2292, C replaced by T.
Protein change: p.Ser764=; no amino-acid change (serine 764 retained).
Molecular consequence: synonymous variant.
Genome position (GRCh38, 1-based): chr19:10,830,127, C>T. VCF-style: chr19-10830127-C-T. GRCh37 (hg19) VCF-style: chr19-10940803-C-T.
Other names: c.2292C>T, p.Ser764= (NM_001005360.3, NM_001190716.2); c.2280C>T, p.Ser760= (NM_001005362.3, NM_004945.4).
Identifiers: ClinVar variation 653294 (VCV000653294.8), dbSNP rs779394836, ClinGen allele CA9201582.
Genomic context (GRCh38, chr19:10,830,127, plus strand): 5'-GCATGGCGGGGGCTCCTACTCCATCTGTATCTGTAGCTCACACCCTCTCCTTCCTCACAG[C>T]CCCACTCCACAGCGCCGACCGGTGTCCAGCATACACCCCCCTGGCCGGCCCCCAGCAGTG-3'
Protein context (NP_001005361.1, residues 754-774): DTWLQSASSH[Ser764=]PTPQRRPVSS